The following is an entry in ClinVar:

NM_144687.4(NLRP12):c.7C>T (p.Arg3Ter)

Gene: NLRP12 (NLR family pyrin domain containing 12; minus strand). Cytogenetic location: 19q13.42.
Variant type: single nucleotide variant.
Coding change: c.7C>T on transcript NM_144687.4 (MANE Select); coding-DNA position 7, C replaced by T.
Protein change: p.Arg3Ter; replaces arginine 3 with a stop codon.
Molecular consequence: nonsense.
Genome position (GRCh38, 1-based): chr19:53,824,168, G>A on the plus strand (C>T on the coding strand, the complement: NLRP12 is on the minus strand). VCF-style: chr19-53824168-G-A. GRCh37 (hg19) VCF-style: chr19-54327422-G-A.
Other names: c.7C>T, p.Arg3Ter (NM_001277126.2, NM_001277129.1); short protein forms R3*.
Identifiers: ClinVar variation 646008 (VCV000646008.7), dbSNP rs761868541, ClinGen allele CA9639865.

ClinVar aggregate classification (germline): Uncertain significance. Review status: criteria provided, multiple submitters, no conflicts (2 of 4 stars). 2 submissions from 2 submitters: Uncertain significance (2). Last evaluated 2023-10-11.

Conditions:
Familial cold autoinflammatory syndrome 2 (FCAS2). Identifiers: Orphanet 247868, MedGen C2673198, MONDO:0012724, OMIM 611762.

Allele frequency attached by ClinVar (database versions not stated): gnomAD 0.00001; TOPMed 0.00001; ExAC 0.00002; gnomAD exomes 0.00002 and 0.00005.
gnomAD v4.1: 77 of 1,613,800 alleles (0.0048%); highest among the groups gnomAD compares: South Asian, 0.0088%; no homozygotes.

Submissions (2):

Labcorp Genetics (formerly Invitae), Labcorp
Classification: Uncertain significance for Familial cold autoinflammatory syndrome 2. Last evaluated: 2023-10-11. Review status: criteria provided, single submitter. Criteria: Invitae Variant Classification Sherloc (09022015). Collection method: clinical testing. Allele origin: germline.
Comment: This sequence change creates a premature translational stop signal (p.Arg3*) in the NLRP12 gene. It is expected to result in an absent or disrupted protein product. However, the current clinical and genetic evidence is not sufficient to establish whether loss-of-function variants in NLRP12 cause disease. This variant is present in population databases (rs761868541, gnomAD 0.02%). This variant has not been reported in the literature in individuals affected with NLRP12-related conditions. ClinVar contains an entry for this variant (Variation ID: 646008). In summary, the available evidence is currently insufficient to determine the role of this variant in disease. Therefore, it has been classified as a Variant of Uncertain Significance.

Breakthrough Genomics
Classification: Uncertain significance. Review status: criteria provided, single submitter. Criteria: ACMG Guidelines, 2015. Collection method: not provided. Allele origin: germline. Inheritance: Autosomal dominant inheritance. Affected: yes.